The following is an entry in ClinVar:

ClinVar aggregate classification (germline): Conflicting classifications of pathogenicity. Review status: criteria provided, conflicting classifications (1 of 4 stars). 2 submissions from 2 submitters: Uncertain significance (1); Likely benign (1). Last evaluated 2025-08-28.

Allele frequency attached by ClinVar (database versions not stated): 1000 Genomes Project 30x 0.00047; 1000 Genomes Project 0.00060; gnomAD 0.00383; TOPMed 0.00396; ExAC 0.00403; ESP Exome Variant Server 0.00646; gnomAD exomes 0.00650.
gnomAD v4.1: 9,927 of 1,611,378 alleles (0.62%); highest among the groups gnomAD compares: Non-Finnish European, 0.8%; 44 homozygotes.

Submissions (2):

Ambry Genetics
Classification: Uncertain significance. Last evaluated: 2025-08-28. Review status: criteria provided, single submitter. Criteria: Ambry Variant Classification Scheme 2023. Collection method: clinical testing. Allele origin: germline.

CeGaT Center for Human Genetics Tuebingen
Classification: Likely benign. Last evaluated: 2022-10-01. Review status: criteria provided, single submitter. Criteria: CeGaT Center For Human Genetics Tuebingen Variant Classification Criteria Version 2. Collection method: clinical testing. Allele origin: germline. Affected: yes. Observed: 1 variant allele.
Comment: ZZEF1: BP4, BS2

NM_015113.4(ZZEF1):c.3217G>A (p.Glu1073Lys)

Gene: ZZEF1 (zinc finger ZZ-type and EF-hand domain containing 1; minus strand). Cytogenetic location: 17p13.2.
Variant type: single nucleotide variant.
Coding change: c.3217G>A on transcript NM_015113.4 (MANE Select); coding-DNA position 3217, G replaced by A.
Protein change: p.Glu1073Lys; replaces glutamic acid 1073 with lysine.
Molecular consequence: missense variant.
Genome position (GRCh38, 1-based): chr17:4,076,654, C>T on the plus strand (G>A on the coding strand, the complement: ZZEF1 is on the minus strand). VCF-style: chr17-4076654-C-T. GRCh37 (hg19) VCF-style: chr17-3979948-C-T.
Other names: c.3217G>A (NM_015113.3); short protein forms E1073K.
Identifiers: ClinVar variation 2647247 (VCV002647247.25), dbSNP rs143736611, ClinGen allele CA8299490.